The following is an entry in ClinVar:

NM_005982.4(SIX1):c.44C>A (p.Ala15Glu)

Gene: SIX1 (SIX homeobox 1; minus strand). Cytogenetic location: 14q23.1.
Variant type: single nucleotide variant.
Coding change: c.44C>A on transcript NM_005982.4 (MANE Select); coding-DNA position 44, C replaced by A.
Protein change: p.Ala15Glu; replaces alanine 15 with glutamic acid.
Molecular consequence: missense variant.
Genome position (GRCh38, 1-based): chr14:60,649,146, G>T on the plus strand (C>A on the coding strand, the complement: SIX1 is on the minus strand). VCF-style: chr14-60649146-G-T. GRCh37 (hg19) VCF-style: chr14-61115864-G-T.
Other names: c.44C>A, p.Ala15Glu (NM_001425142.1); short protein forms A15E.
Identifiers: ClinVar variation 4784377 (VCV004784377.1).

ClinVar aggregate classification (germline): Uncertain significance (1 of 4 stars; one submission).

Conditions:
Branchiootic syndrome 3 (BOS3). Also called: BO SYNDROME 3. Identifiers: MedGen C1842124, MONDO:0012025, OMIM 608389.
Autosomal dominant nonsyndromic hearing loss 23. Identifiers: Orphanet 90635, MedGen C1854594, MONDO:0011519, OMIM 605192.

Submission:

Labcorp Genetics (formerly Invitae), Labcorp
Classification: Uncertain significance for Autosomal dominant nonsyndromic hearing loss 23; Branchiootic syndrome 3. Last evaluated: 2025-03-07. Review status: criteria provided, single submitter. Criteria: Invitae Variant Classification Sherloc (09022015). Collection method: clinical testing. Allele origin: germline.
Comment: This sequence change replaces alanine, which is neutral and non-polar, with glutamic acid, which is acidic and polar, at codon 15 of the SIX1 protein (p.Ala15Glu). This variant is not present in population databases (gnomAD no frequency). This variant has not been reported in the literature in individuals affected with SIX1-related conditions. An algorithm developed to predict the effect of missense changes on protein structure and function (PolyPhen-2) suggests that this variant is likely to be disruptive. In summary, the available evidence is currently insufficient to determine the role of this variant in disease. Therefore, it has been classified as a Variant of Uncertain Significance.